The following is an entry in ClinVar:

NM_000204.5(CFI):c.1464_1466del (p.Glu488_Val489delinsAsp)

Gene: CFI (complement factor I; minus strand). Cytogenetic location: 4q25.
Variant type: Deletion.
Coding change: c.1464_1466del on transcript NM_000204.5 (MANE Select); coding-DNA positions 1464 to 1466, 3 bases deleted (AGT; older notation c.1464_1466delAGT).
Protein change: p.Glu488_Val489delinsAsp.
Molecular consequence: inframe indel. On other transcripts: non-coding transcript variant (3).
Genome position (GRCh38, 1-based): chr4:109,742,559-109,742,561, ACT deleted on the plus strand (AGT on the coding strand, the reverse complement: CFI is on the minus strand). VCF-style (leftmost placement, unchanged base first): chr4-109742558-AACT-A. GRCh37 (hg19) VCF-style: chr4-110663714-AACT-A.
Other names: c.1488_1490del, p.Glu496_Val497delinsAsp (NM_001318057.2, NM_001375278.1); c.1443_1445del, p.Glu481_Val482delinsAsp (NM_001331035.2, NM_001375280.1, NM_001375282.1); c.1464_1466del, p.Glu488_Val489delinsAsp (NM_001375279.1, NM_001375281.1); c.1407_1409del, p.Glu469_Val470delinsAsp (NM_001375283.1); c.855_857del, p.Glu285_Val286delinsAsp (NM_001375284.1).
Identifiers: ClinVar variation 3701325 (VCV003701325.2).

ClinVar aggregate classification (germline): Uncertain significance (1 of 4 stars; one submission).

Submission:

Labcorp Genetics (formerly Invitae), Labcorp
Classification: Uncertain significance. Last evaluated: 2024-10-29. Review status: criteria provided, single submitter. Criteria: Invitae Variant Classification Sherloc (09022015). Collection method: clinical testing. Allele origin: germline.
Comment: This variant, c.1464_1466del, is a complex sequence change that results in the deletion of 2 and insertion of 1 amino acid(s) in the CFI protein (p.Glu488_Val489delinsAsp). This variant is present in population databases (no rsID available, gnomAD 0.006%). This variant has not been reported in the literature in individuals affected with CFI-related conditions. Experimental studies and prediction algorithms are not available or were not evaluated, and the functional significance of this variant is currently unknown. In summary, the available evidence is currently insufficient to determine the role of this variant in disease. Therefore, it has been classified as a Variant of Uncertain Significance.